The following is an entry in ClinVar:

NM_025221.6(KCNIP4):c.288T>C (p.Asn96=)

Gene: KCNIP4 (potassium voltage-gated channel interacting protein 4; minus strand). Cytogenetic location: 4p15.31.
Variant type: single nucleotide variant.
Coding change: c.288T>C on transcript NM_025221.6 (MANE Select); coding-DNA position 288, T replaced by C.
Protein change: p.Asn96=; no amino-acid change (asparagine 96 retained).
Molecular consequence: synonymous variant.
Genome position (GRCh38, 1-based): chr4:20,850,543, A>G on the plus strand (T>C on the coding strand, the complement: KCNIP4 is on the minus strand). VCF-style: chr4-20850543-A-G. GRCh37 (hg19) VCF-style: chr4-20852166-A-G.
Other names: c.213T>C, p.Asn71= (NM_001035003.2); c.102T>C, p.Asn34= (NM_001035004.2, NM_147182.4); c.237T>C, p.Asn79= (NM_001363504.2); c.186T>C, p.Asn62= (NM_147181.4); c.225T>C, p.Asn75= (NM_147183.3).
Identifiers: ClinVar variation 3060067 (VCV003060067.2), dbSNP rs3765121, ClinGen allele CA2873067.
Genomic context (GRCh38, chr4:20,850,543, plus strand): 5'-TCATTTCTCAATGCTCCTCTGGGAATTGTGTGAAGGTAAAGTCAAAAAGAAAGTTCTTAC[A>G]TTCTTAAATCCTCTGTAAAGGATCTGAAGCTCTTTCTTGGTAAATTTGCTCTGGGCTTCC-3'
Protein context (NP_079497.2, residues 86-106): ELQILYRGFK[Asn96=]ECPSGVVNEE

ClinVar aggregate classification (germline): Benign (0 of 4 stars; one submission).

Conditions:
KCNIP4-related disorder. Also called: KCNIP4-related condition.

Allele frequency attached by ClinVar (database versions not stated): ESP Exome Variant Server 0.32547; TOPMed 0.34453; 1000 Genomes Project 30x 0.34697; 1000 Genomes Project 0.34924; gnomAD 0.35154; ExAC 0.40660.
gnomAD v4.1: 651,447 of 1,610,388 alleles (40%); highest among the groups gnomAD compares: Admixed American, 50%; 135,184 homozygotes.

Submission:

PreventionGenetics, part of Exact Sciences
Classification: Benign for KCNIP4-related condition. Last evaluated: 2019-10-18. Review status: no assertion criteria provided. Collection method: clinical testing. Allele origin: germline.
Comment: This variant is classified as benign based on ACMG/AMP sequence variant interpretation guidelines (Richards et al. 2015 PMID: 25741868, with internal and published modifications).